The following is an entry in ClinVar:

ClinVar aggregate classification (germline): Benign (1 of 4 stars; one submission).

Conditions:
Familial cancer of breast. Also called: BREAST CANCER, FAMILIAL; Hereditary breast cancer; hereditary breast carcinoma. Identifiers: Orphanet 227535, MedGen C0346153, MONDO:0016419, OMIM 114480. Disease mechanism: loss of function.

Submission:

Myriad Genetics, Inc.
Classification: Benign for Familial cancer of breast. Last evaluated: 2024-05-13. Review status: criteria provided, single submitter. Criteria: Myriad Autosomal Dominant, Autosomal Recessive and X-Linked Classification Criteria (2023). Collection method: clinical testing. Allele origin: unknown.
Comment: This variant is considered benign. This variant is a silent/synonymous amino acid change and it is not expected to impact splicing.

NM_000051.4(ATM):c.3177C>T (p.Ala1059=)

Gene: ATM (ATM serine/threonine kinase; plus strand). Cytogenetic location: 11q22.3.
Variant type: single nucleotide variant.
Coding change: c.3177C>T on transcript NM_000051.4 (MANE Select); coding-DNA position 3177, C replaced by T.
Protein change: p.Ala1059=; no amino-acid change (alanine 1059 retained).
Molecular consequence: synonymous variant.
Genome position (GRCh38, 1-based): chr11:108,272,745, C>T. VCF-style: chr11-108272745-C-T. GRCh37 (hg19) VCF-style: chr11-108143472-C-T.
Other names: c.3177C>T, p.Ala1059= (NM_001351834.2).
Identifiers: ClinVar variation 3254174 (VCV003254174.1), dbSNP rs1044910300.